The following is an entry in ClinVar:

ClinVar aggregate classification (germline): Conflicting classifications of pathogenicity. Review status: criteria provided, conflicting classifications (1 of 4 stars). 3 submissions from 3 submitters: Uncertain significance (2); Likely benign (1). Last evaluated 2025-12-23.

Conditions:
Neurofibromatosis, type 2 (SWNV). Also called: BILATERAL ACOUSTIC NEUROFIBROMATOSIS; SCHWANNOMATOSIS, VESTIBULAR; NF2-Related Schwannomatosis. Identifiers: Orphanet 637, MedGen C0027832, MONDO:0007039, OMIM 101000. Disease mechanism: loss of function.
Hereditary cancer-predisposing syndrome. Also called: Hereditary Cancer Syndrome; Neoplastic Syndromes, Hereditary; Hereditary neoplastic syndrome; Tumor predisposition. Identifiers: Orphanet 140162, MedGen C0027672, MeSH D009386, MONDO:0015356.

Allele frequency attached by ClinVar (database versions not stated): gnomAD exomes 0.00001 and 0.00002.
gnomAD v4.1: 13 of 1,577,346 alleles (0.00082%); highest among the groups gnomAD compares: South Asian, 0.014%; no homozygotes.

Submissions (3):

Labcorp Genetics (formerly Invitae), Labcorp
Classification: Uncertain significance for Neurofibromatosis, type 2. Last evaluated: 2025-12-23. Review status: criteria provided, single submitter. Criteria: Invitae Variant Classification Sherloc (09022015). Collection method: clinical testing. Allele origin: germline.
Comment: This sequence change replaces threonine, which is neutral and polar, with alanine, which is neutral and non-polar, at codon 380 of the NF2 protein (p.Thr380Ala). The frequency data for this variant in the population databases is considered unreliable, as metrics indicate poor data quality at this position in the gnomAD database. This variant has not been reported in the literature in individuals affected with NF2-related conditions. ClinVar contains an entry for this variant (Variation ID: 1448333). Invitae Evidence Modeling of protein sequence and biophysical properties (such as structural, functional, and spatial information, amino acid conservation, physicochemical variation, residue mobility, and thermodynamic stability) indicates that this missense variant is not expected to disrupt NF2 protein function with a negative predictive value of 80%. In summary, the available evidence is currently insufficient to determine the role of this variant in disease. Therefore, it has been classified as a Variant of Uncertain Significance.

Ambry Genetics
Classification: Likely benign for Hereditary cancer-predisposing syndrome. Last evaluated: 2025-05-10. Review status: criteria provided, single submitter. Criteria: Ambry Variant Classification Scheme 2023. Collection method: clinical testing. Allele origin: germline.

GeneDx
Classification: Uncertain significance. Last evaluated: 2025-03-05. Review status: criteria provided, single submitter. Criteria: GeneDx Variant Classification Process June 2021. Collection method: clinical testing. Allele origin: germline. Affected: yes.
Comment: In silico analysis supports that this missense variant has a deleterious effect on protein structure/function; Has not been previously published as pathogenic or benign to our knowledge; This variant is associated with the following publications: (PMID: 16324214, 17134719, 22482125)

NM_000268.4(NF2):c.1138A>G (p.Thr380Ala)

Gene: NF2 (NF2, moesin-ezrin-radixin like (MERLIN) tumor suppressor; plus strand). Cytogenetic location: 22q12.2.
Variant type: single nucleotide variant.
Coding change: c.1138A>G on transcript NM_000268.4 (MANE Select); coding-DNA position 1138, A replaced by G.
Protein change: p.Thr380Ala; replaces threonine 380 with alanine.
Molecular consequence: missense variant. On other transcripts: non-coding transcript variant (1), intron variant (1).
Genome position (GRCh38, 1-based): chr22:29,673,284, A>G. VCF-style: chr22-29673284-A-G. GRCh37 (hg19) VCF-style: chr22-30069273-A-G.
Other names: c.1138A>G, p.Thr380Ala (NM_016418.5, NM_181825.3, NM_181832.3); c.1012A>G, p.Thr338Ala (NM_181828.3); c.1015A>G, p.Thr339Ala (NM_181829.3); c.889A>G, p.Thr297Ala (NM_181830.3, NM_181831.3); c.448-21468A>G (NM_181833.3); short protein forms T297A, T338A, T339A, T380A.
Identifiers: ClinVar variation 1448333 (VCV001448333.11), dbSNP rs1468789751, ClinGen allele CA411147991.